The following is an entry in ClinVar:

NM_000372.5(TYR):c.1209G>C (p.Arg403Ser)

Gene: TYR (tyrosinase; plus strand). Cytogenetic location: 11q14.3.
Variant type: single nucleotide variant.
Coding change: c.1209G>C on transcript NM_000372.5 (MANE Select); coding-DNA position 1209, G replaced by C.
Protein change: p.Arg403Ser; replaces arginine 403 with serine.
Molecular consequence: missense variant.
Genome position (GRCh38, 1-based): chr11:89,284,797, G>C. VCF-style: chr11-89284797-G-C. GRCh37 (hg19) VCF-style: chr11-89017965-G-C.
Other names: short protein forms R403S.
Identifiers: ClinVar variation 2735735 (VCV002735735.3), dbSNP rs104894316, ClinGen allele CA382077867.
Genomic context (GRCh38, chr11:89,284,797, plus strand): 5'-TATGTTTCTTAGTCTGAATAACCTTTTCCTCTGCAGTATTTTTGAGCAGTGGCTCCGAAG[G>C]CACCGTCCTCTTCAAGAAGTTTATCCAGAAGCCAATGCACCCATTGGACATAACCGGGAA-3'
Protein context (NP_000363.1, residues 393-413): VDSIFEQWLR[Arg403Ser]HRPLQEVYPE

ClinVar aggregate classification (germline): Pathogenic (1 of 4 stars; one submission).

Submission:

Labcorp Genetics (formerly Invitae), Labcorp
Classification: Pathogenic. Last evaluated: 2026-01-17. Review status: criteria provided, single submitter. Criteria: Invitae Variant Classification Sherloc (09022015). Collection method: clinical testing. Allele origin: germline.
Comment: This sequence change replaces arginine, which is basic and polar, with serine, which is neutral and polar, at codon 403 of the TYR protein (p.Arg403Ser). This variant is not present in population databases (gnomAD no frequency). This missense change has been observed in individual(s) with oculocutaneous albinism (PMID: 10987646, 15146472, 18463683). In at least one individual the data is consistent with being in trans (on the opposite chromosome) from a pathogenic variant. ClinVar contains an entry for this variant (Variation ID: 2735735). Invitae Evidence Modeling of protein sequence and biophysical properties (such as structural, functional, and spatial information, amino acid conservation, physicochemical variation, residue mobility, and thermodynamic stability) indicates that this missense variant is expected to disrupt TYR protein function with a positive predictive value of 95%. For these reasons, this variant has been classified as Pathogenic.

Literature cited by the submitters: PubMed 10987646; PubMed 15146472; PubMed 18463683.